The following is an entry in ClinVar:

ClinVar aggregate classification (germline): Uncertain significance (1 of 4 stars; one submission).

Conditions:
Familial infantile myasthenia (CMS6). Also called: MYASTHENIC SYNDROME, CONGENITAL, 6, PRESYNAPTIC; MYASTHENIC SYNDROME, PRESYNAPTIC, CONGENITAL, ASSOCIATED WITH EPISODIC APNEA; Congenital myasthenic syndrome type 6. Identifiers: Orphanet 590, MedGen C0393929, MONDO:0009689, OMIM 254210.

Allele frequency attached by ClinVar (database versions not stated): gnomAD exomes 0.00001; gnomAD 0.00003; TOPMed 0.00003.
gnomAD v4.1: 8 of 1,614,112 alleles (0.0005%); highest among the groups gnomAD compares: Admixed American, 0.01%; no homozygotes.

Submission:

Labcorp Genetics (formerly Invitae), Labcorp
Classification: Uncertain significance for Familial infantile myasthenia. Last evaluated: 2022-04-25. Review status: criteria provided, single submitter. Criteria: Invitae Variant Classification Sherloc (09022015). Collection method: clinical testing. Allele origin: germline.
Comment: This sequence change replaces alanine, which is neutral and non-polar, with threonine, which is neutral and polar, at codon 533 of the CHAT protein (p.Ala533Thr). This variant is present in population databases (no rsID available, gnomAD 0.009%). This variant has not been reported in the literature in individuals affected with CHAT-related conditions. Advanced modeling of protein sequence and biophysical properties (such as structural, functional, and spatial information, amino acid conservation, physicochemical variation, residue mobility, and thermodynamic stability) performed at Invitae indicates that this missense variant is not expected to disrupt CHAT protein function. In summary, the available evidence is currently insufficient to determine the role of this variant in disease. Therefore, it has been classified as a Variant of Uncertain Significance.

NM_020549.5(CHAT):c.1597G>A (p.Ala533Thr)

Gene: CHAT (choline O-acetyltransferase; plus strand). Cytogenetic location: 10q11.23.
Variant type: single nucleotide variant.
Coding change: c.1597G>A on transcript NM_020549.5 (MANE Select); coding-DNA position 1597, G replaced by A.
Protein change: p.Ala533Thr; replaces alanine 533 with threonine.
Molecular consequence: missense variant.
Genome position (GRCh38, 1-based): chr10:49,651,969, G>A. VCF-style: chr10-49651969-G-A. GRCh37 (hg19) VCF-style: chr10-50860015-G-A.
Other names: c.1243G>A, p.Ala415Thr (NM_001142929.2, NM_001142934.2, NM_020984.4 and 2 more transcripts); c.1351G>A, p.Ala451Thr (NM_001142933.2); short protein forms A415T, A533T, A451T.
Identifiers: ClinVar variation 1974273 (VCV001974273.2), dbSNP rs1036422847, ClinGen allele CA206639953.
Genomic context (GRCh38, chr10:49,651,969, plus strand): 5'-GTCTATAAGTTTGACAACTATGGGAAAACATTCATTAAGAAGCAGAAATGCAGCCCTGAT[G>A]CCTTCATCCAGGTGGCCCTCCAGCTGGCCTTCTACAGGTGAGTGAAGGTGGAGTGAGTCT-3'
Protein context (NP_065574.4, residues 523-543): FIKKQKCSPD[Ala533Thr]FIQVALQLAF